The following is an entry in ClinVar:

NM_001042492.3(NF1):c.1642-158A>G

Gene: NF1 (neurofibromin 1; plus strand). Cytogenetic location: 17q11.2.
Variant type: single nucleotide variant.
Coding change: c.1642-158A>G on transcript NM_001042492.3 (MANE Select); 158 bases into the intron before coding-DNA position 1642, A replaced by G.
Molecular consequence: intron variant.
Genome position (GRCh38, 1-based): chr17:31,221,692, A>G. VCF-style: chr17-31221692-A-G. GRCh37 (hg19) VCF-style: chr17-29548710-A-G.
Other names: c.1642-158A>G (NM_000267.4, NM_001128147.3).
Identifiers: ClinVar variation 561470 (VCV000561470.1), dbSNP rs17883230, ClinGen allele CA289360489.
Genomic context (GRCh38, chr17:31,221,692, plus strand): 5'-AGAATGATGGGAATAAAATGATTTCATTCTGTCTGTATTATTCCCTAGAGGTTTGTGTTC[A>G]CCAGAGTTTCTCTCTTTTTACCTTTTACTATATATTGAAACTACAAATGAAAGAGCTCAA-3'

ClinVar aggregate classification (germline): Likely benign (1 of 4 stars; one submission).

Allele frequency attached by ClinVar (database versions not stated): 1000 Genomes Project 30x 0.01702; 1000 Genomes Project 0.01717; gnomAD 0.02964 and 0.03087; TOPMed 0.03132.
gnomAD v4.1: 4,574 of 152,244 alleles (3%); highest among the groups gnomAD compares: Middle Eastern, 4.8%; 116 homozygotes.

Submission:

GeneDx
Classification: Likely benign. Last evaluated: 2018-06-14. Review status: criteria provided, single submitter. Criteria: GeneDx Variant Classification (06012015). Collection method: clinical testing. Allele origin: germline. Affected: yes.
Comment: This variant is considered likely benign or benign based on one or more of the following criteria: it is a conservative change, it occurs at a poorly conserved position in the protein, it is predicted to be benign by multiple in silico algorithms, and/or has population frequency not consistent with disease.